The following is an entry in ClinVar:

ClinVar aggregate classification (germline): Pathogenic/Likely pathogenic. Review status: criteria provided, multiple submitters, no conflicts (2 of 4 stars). 2 submissions from 2 submitters: Pathogenic (1); Likely pathogenic (1). Last evaluated 2025-07-03.

Conditions:
Congenital myasthenic syndrome (CMS). Also called: Congenital Myasthenic Syndromes. Identifiers: Orphanet 590, MedGen C0751882, MeSH D020294, MONDO:0018940.
Fetal akinesia deformation sequence 1 (FADS1). Also called: Pena-Shokeir syndrome type I; Fetal akinesia sequence. Identifiers: Orphanet 994, MedGen C1276035, MONDO:0100101, OMIM 208150, HP:0001989.
Congenital myasthenic syndrome 11. Also called: MYASTHENIC SYNDROME, CONGENITAL, Ie; Myasthenic syndrome, congenital, 11, associated with acetylcholine receptor deficiency. Identifiers: Orphanet 590, MedGen C4225367, MONDO:0014588, OMIM 616326.

gnomAD v4.1: 1 of 1,609,732 alleles (0.000062%); highest among the groups gnomAD compares: Non-Finnish European, 0.000085%; no homozygotes.

Submissions (2):

Natera, Inc.
Classification: Likely pathogenic for Congenital myasthenic syndrome. Last evaluated: 2025-07-03. Review status: criteria provided, single submitter. Criteria: Natera Variant Classification Schema (03/2026). Collection method: clinical testing. Allele origin: germline.
Comment: The c.838G>T variant in RAPSN is a nonsense variant predicted to introduce a stop codon at amino acid 280. This variant is expected to result in nonsense mediated decay, truncation, or a dysfunctional protein product. This variant is rare in the general population with a frequency below the threshold expected for the associated phenotype(s). Given the available evidence, this variant is classified as Likely Pathogenic.

Labcorp Genetics (formerly Invitae), Labcorp
Classification: Pathogenic for Congenital myasthenic syndrome 11; Fetal akinesia deformation sequence 1. Last evaluated: 2020-02-12. Review status: criteria provided, single submitter. Criteria: Invitae Variant Classification Sherloc (09022015). Collection method: clinical testing. Allele origin: germline.
Comment: This variant is not present in population databases (ExAC no frequency). This sequence change creates a premature translational stop signal (p.Gly280*) in the RAPSN gene. It is expected to result in an absent or disrupted protein product. This variant has not been reported in the literature in individuals with RAPSN-related conditions. For these reasons, this variant has been classified as Pathogenic. Loss-of-function variants in RAPSN are known to be pathogenic (PMID: 17686188).

Literature cited by the submitters: PubMed 17686188 (cited by Labcorp Genetics (formerly Invitae), Labcorp).

NM_005055.5(RAPSN):c.838G>T (p.Gly280Ter)

Gene: RAPSN (receptor associated protein of the synapse; minus strand). Cytogenetic location: 11p11.2.
Variant type: single nucleotide variant.
Coding change: c.838G>T on transcript NM_005055.5 (MANE Select); coding-DNA position 838, G replaced by T.
Protein change: p.Gly280Ter; replaces glycine 280 with a stop codon.
Molecular consequence: nonsense. On other transcripts: intron variant (1).
Genome position (GRCh38, 1-based): chr11:47,441,685, C>A on the plus strand (G>T on the coding strand, the complement: RAPSN is on the minus strand). VCF-style: chr11-47441685-C-A. GRCh37 (hg19) VCF-style: chr11-47463237-C-A.
Other names: c.789+138G>T (NM_032645.5); c.838G>T (NM_005055.4); short protein forms G280*.
Identifiers: ClinVar variation 1076821 (VCV001076821.10), dbSNP rs1262674788, ClinGen allele CA380329470.